The following is an entry in ClinVar:

NM_000313.4(PROS1):c.695A>G (p.Tyr232Cys)

Gene: PROS1 (protein S; minus strand). Cytogenetic location: 3q11.1.
Variant type: single nucleotide variant.
Coding change: c.695A>G on transcript NM_000313.4 (MANE Select); coding-DNA position 695, A replaced by G.
Protein change: p.Tyr232Cys; replaces tyrosine 232 with cysteine.
Molecular consequence: missense variant.
Genome position (GRCh38, 1-based): chr3:93,900,836, T>C on the plus strand (A>G on the coding strand, the complement: PROS1 is on the minus strand). VCF-style: chr3-93900836-T-C. GRCh37 (hg19) VCF-style: chr3-93619680-T-C.
Other names: c.791A>G, p.Tyr264Cys (NM_001314077.2); short protein forms Y264C, Y232C.
Identifiers: ClinVar variation 1438136 (VCV001438136.8), dbSNP rs754454487, ClinGen allele CA2503408.

ClinVar aggregate classification (germline): Uncertain significance (1 of 4 stars; one submission).

Conditions:
Thrombophilia due to protein S deficiency, autosomal recessive (THPH6). Identifiers: Orphanet 743, MedGen C3281092, MONDO:0013791, OMIM 614514. Disease mechanism: loss of function.

Allele frequency attached by ClinVar (database versions not stated): ExAC 0.00001; gnomAD exomes below 0.00001.

Submission:

Labcorp Genetics (formerly Invitae), Labcorp
Classification: Uncertain significance for Thrombophilia due to protein S deficiency, autosomal recessive. Last evaluated: 2020-12-10. Review status: criteria provided, single submitter. Criteria: Invitae Variant Classification Sherloc (09022015). Collection method: clinical testing. Allele origin: germline.
Comment: In summary, the available evidence is currently insufficient to determine the role of this variant in disease. Therefore, it has been classified as a Variant of Uncertain Significance. Algorithms developed to predict the effect of missense changes on protein structure and function (SIFT, PolyPhen-2, Align-GVGD) all suggest that this variant is likely to be disruptive, but these predictions have not been confirmed by published functional studies and their clinical significance is uncertain. This variant has not been reported in the literature in individuals with PROS1-related conditions. This variant is present in population databases (rs754454487, ExAC 0.01%). This sequence change replaces tyrosine with cysteine at codon 232 of the PROS1 protein (p.Tyr232Cys). The tyrosine residue is highly conserved and there is a large physicochemical difference between tyrosine and cysteine.